The following is an entry in ClinVar:

ClinVar aggregate classification (germline): Benign/Likely benign. Review status: criteria provided, multiple submitters, no conflicts (2 of 4 stars). 4 submissions from 4 submitters: Benign (1); Likely benign (2). 1 of the submissions does not count toward it. Last evaluated 2025-11-24.

Conditions:
NUP93-related disorder. Also called: NUP93-related condition.
Nephrotic syndrome, type 12 (NPHS12). Identifiers: Orphanet 656, MedGen C4225166, MONDO:0014817, OMIM 616892.

Allele frequency attached by ClinVar (database versions not stated): gnomAD exomes 0.00050 and 0.00077; TOPMed 0.00056; ExAC 0.00072; ESP Exome Variant Server 0.00085.
gnomAD v4.1: 864 of 1,612,444 alleles (0.054%); highest among the groups gnomAD compares: Middle Eastern, 0.56%; 8 homozygotes.

Submissions (4):

Labcorp Genetics (formerly Invitae), Labcorp
Classification: Benign. Last evaluated: 2025-11-24. Review status: criteria provided, single submitter. Criteria: Invitae Variant Classification Sherloc (09022015). Collection method: clinical testing. Allele origin: germline.

Dubai Health Genomic Medicine Center, Dubai Health
Classification: Likely benign for Nephrotic syndrome, type 12. Last evaluated: 2020-03-24. Review status: criteria provided, single submitter. Criteria: ACMG Guidelines, 2015. Collection method: clinical testing. Allele origin: germline. Affected: yes.

GeneDx
Classification: Likely benign. Last evaluated: 2020-02-25. Review status: criteria provided, single submitter. Criteria: GeneDx Variant Classification Process June 2021. Collection method: clinical testing. Allele origin: germline. Affected: yes.
Comment: See Variant Classification Assertion Criteria.

PreventionGenetics, part of Exact Sciences
Classification: Benign for NUP93-related condition. Last evaluated: 2023-05-22. Review status: no assertion criteria provided. Collection method: clinical testing. Allele origin: germline. Not counted in ClinVar's aggregate classification.
Comment: This variant is classified as benign based on ACMG/AMP sequence variant interpretation guidelines (Richards et al. 2015 PMID: 25741868, with internal and published modifications).

NM_014669.5(NUP93):c.1749T>G (p.Ile583Met)

Gene: NUP93 (nucleoporin 93; plus strand). Cytogenetic location: 16q13.
Variant type: single nucleotide variant.
Coding change: c.1749T>G on transcript NM_014669.5 (MANE Select); coding-DNA position 1749, T replaced by G.
Protein change: p.Ile583Met; replaces isoleucine 583 with methionine.
Molecular consequence: missense variant.
Genome position (GRCh38, 1-based): chr16:56,834,745, T>G. VCF-style: chr16-56834745-T-G. GRCh37 (hg19) VCF-style: chr16-56868657-T-G.
Other names: c.1380T>G, p.Ile460Met (NM_001242795.2, NM_001242796.2); short protein forms I583M, I460M.
Identifiers: ClinVar variation 736204 (VCV000736204.14), dbSNP rs140437118, ClinGen allele CA8068539.
Genomic context (GRCh38, chr16:56,834,745, plus strand): 5'-TGTTTATATCTTTGTCCAATAATTTGAGTAAACTTTTTTCCTTCCACAGTTCGATATGAT[T>G]CTTGGGAAACTAGAGAATGACGGAAGTAGAAAGGTGAGTTAAATGCATCCTTAGAGAAAT-3'
Protein context (NP_055484.3, residues 573-593): LVIESREFDM[Ile583Met]LGKLENDGSR